The following is an entry in ClinVar:

ClinVar aggregate classification (germline): Conflicting classifications of pathogenicity. Review status: criteria provided, conflicting classifications (1 of 4 stars). 2 submissions from 2 submitters: Uncertain significance (1); Likely benign (1). Last evaluated 2025-09-22.

Conditions:
Cardiovascular phenotype. Identifiers: MedGen CN230736.
Familial hypobetalipoproteinemia 1. Also called: APOB-Related Familial Hypobetalipoproteinemia; Hypobetalipoproteinemia, normotriglyceridemic; Acanthocytosis with hypobetalipoproteinemia. Identifiers: MedGen C4551990, MONDO:0014252, OMIM 615558.
Hypercholesterolemia, autosomal dominant, type B (FHCL2). Also called: Familial Hypercholesterolemia Type B; APOLIPOPROTEIN B-100, FAMILIAL DEFECTIVE; APOLIPOPROTEIN B-100, FAMILIAL LIGAND-DEFECTIVE; HYPERCHOLESTEROLEMIA, FAMILIAL, DUE TO LIGAND-DEFECTIVE APOLIPOPROTEIN B; Hyperlipoproteinemia Type IIb; Familial hypercholesterolemia 2. Identifiers: MedGen C1704417, MONDO:0007751, OMIM 144010.

Allele frequency attached by ClinVar (database versions not stated): gnomAD exomes below 0.00001; gnomAD 0.00001; TOPMed 0.00001.
gnomAD v4.1: 2 of 1,614,068 alleles (0.00012%); highest among the groups gnomAD compares: African/African-American, 0.0013%; no homozygotes.

Submissions (2):

Labcorp Genetics (formerly Invitae), Labcorp
Classification: Likely benign for Familial hypobetalipoproteinemia 1; Hypercholesterolemia, autosomal dominant, type B. Last evaluated: 2025-09-22. Review status: criteria provided, single submitter. Criteria: Invitae Variant Classification Sherloc (09022015). Collection method: clinical testing. Allele origin: germline.

Ambry Genetics
Classification: Uncertain significance for Cardiovascular phenotype. Last evaluated: 2023-10-08. Review status: criteria provided, single submitter. Criteria: Ambry Variant Classification Scheme 2023. Collection method: clinical testing. Allele origin: germline.
Comment: The p.V363I variant (also known as c.1087G>A), located in coding exon 9 of the APOB gene, results from a G to A substitution at nucleotide position 1087. The valine at codon 363 is replaced by isoleucine, an amino acid with highly similar properties. This amino acid position is conserved. In addition, this alteration is predicted to be tolerated by in silico analysis. Since supporting evidence is limited at this time, the clinical significance of this alteration remains unclear.

NM_000384.3(APOB):c.1087G>A (p.Val363Ile)

Gene: APOB (apolipoprotein B; minus strand). Cytogenetic location: 2p24.1.
Variant type: single nucleotide variant.
Coding change: c.1087G>A on transcript NM_000384.3 (MANE Select); coding-DNA position 1087, G replaced by A.
Protein change: p.Val363Ile; replaces valine 363 with isoleucine.
Molecular consequence: missense variant.
Genome position (GRCh38, 1-based): chr2:21,033,336, C>T on the plus strand (G>A on the coding strand, the complement: APOB is on the minus strand). VCF-style: chr2-21033336-C-T. GRCh37 (hg19) VCF-style: chr2-21256208-C-T.
Other names: c.1087G>A (NM_000384.2); short protein forms V363I.
Identifiers: ClinVar variation 2934096 (VCV002934096.4), dbSNP rs1160050088, ClinGen allele CA345958597.